The following is an entry in ClinVar:

ClinVar aggregate classification (germline): Conflicting classifications of pathogenicity. Review status: criteria provided, conflicting classifications (1 of 4 stars). 4 submissions from 4 submitters: Likely pathogenic (3); Uncertain significance (1). Last evaluated 2023-07-28.

Conditions:
Meckel-Gruber syndrome. Also called: Dysencephalia splachnocystica; DYSENCEPHALIA SPLANCHNOCYSTICA; GRUBER SYNDROME. Identifiers: Orphanet 564, MedGen C0265215, MONDO:0018921.
Joubert syndrome. Also called: CEREBELLOPARENCHYMAL DISORDER IV; JOUBERT-BOLTSHAUSER SYNDROME; Familial aplasia of the vermis. Identifiers: Orphanet 475, MedGen C5979921, MONDO:0018772.
Joubert syndrome 6 (JBTS6). Identifiers: Orphanet 475, MedGen C1853153, MONDO:0012539, OMIM 610688.
COACH syndrome 1. Identifiers: Orphanet 1454, MedGen C5435651, MONDO:0800103, OMIM 216360, MONDO:0008996.

Allele frequency attached by ClinVar (database versions not stated): gnomAD 0.00001.

Submissions (4):

Pittsburgh Clinical Genomics Laboratory, University of Pittsburgh Medical Center
Classification: Likely pathogenic for COACH syndrome 1. Last evaluated: 2023-07-28. Review status: criteria provided, single submitter. Criteria: ACMG Guidelines, 2015. Collection method: clinical testing. Allele origin: germline. Inheritance: Autosomal recessive inheritance. Affected: yes.
Comment: This sequence variant is a single nucleotide substitution (G>T) at position 297 of the coding sequence of the TMEM67 gene that results in a lysine to asparagine amino acid change at residue 99 of the transmembrane protein 67 protein. This is a previously reported variant (ClinVar 212409) that has not been observed in the literature, save for reports of the proband (PMID: 19574260, 28125082), in which case it was reported in trans with a pathogenic TMEM67 variant. This variant is present in 1 of 30502 alleles (0.0033%) in the gnomAD population dataset. Bioinformatic tools are inconclusive if this amino acid change will be damaging or tolerated, and the Lys99 residue at this position is highly conserved across the vertebrate species examined. Studies examining the functiol consequence of this variant have not been performed, to our knowledge. Based upon the evidence, we consider this variant to be likely pathogenic. ACMG Criteria: PM2, PM3, PP2, PP4

Labcorp Genetics (formerly Invitae), Labcorp
Classification: Likely pathogenic for Joubert syndrome; Meckel-Gruber syndrome. Last evaluated: 2022-11-10. Review status: criteria provided, single submitter. Criteria: Invitae Variant Classification Sherloc (09022015). Collection method: clinical testing. Allele origin: germline.
Comment: This sequence change replaces lysine, which is basic and polar, with asparagine, which is neutral and polar, at codon 99 of the TMEM67 protein (p.Lys99Asn). This variant is present in population databases (rs797046045, gnomAD 0.01%). This missense change has been observed in individual(s) with TMEM67-related conditions (PMID: 19574260, 26092869). ClinVar contains an entry for this variant (Variation ID: 212409). Advanced modeling of protein sequence and biophysical properties (such as structural, functional, and spatial information, amino acid conservation, physicochemical variation, residue mobility, and thermodynamic stability) performed at Invitae indicates that this missense variant is expected to disrupt TMEM67 protein function. In summary, the currently available evidence indicates that the variant is pathogenic, but additional data are needed to prove that conclusively. Therefore, this variant has been classified as Likely Pathogenic.

UW Hindbrain Malformation Research Program, University of Washington
Classification: Likely pathogenic for Joubert syndrome 6. Last evaluated: 2015-02-23. Review status: criteria provided, single submitter. Criteria: Bachmann-Gagescu et al. (J Med Genet. 2015). Collection method: research. Allele origin: unknown. Affected: yes.

Genetic Services Laboratory, University of Chicago
Classification: Uncertain significance. Last evaluated: 2014-05-02. Review status: criteria provided, single submitter. Criteria: ACMG Guidelines, 2015. Collection method: clinical testing. Allele origin: germline.

Literature cited by the submitters: PubMed 28125082 (cited by Pittsburgh Clinical Genomics Laboratory, University of Pittsburgh Medical Center); PubMed 19574260 (cited by Pittsburgh Clinical Genomics Laboratory, University of Pittsburgh Medical Center and Labcorp Genetics (formerly Invitae), Labcorp); PubMed 26092869 (cited by Labcorp Genetics (formerly Invitae), Labcorp).

NM_153704.6(TMEM67):c.297G>T (p.Lys99Asn)

Gene: TMEM67 (transmembrane protein 67; plus strand). Cytogenetic location: 8q22.1.
Variant type: single nucleotide variant.
Coding change: c.297G>T on transcript NM_153704.6 (MANE Select); coding-DNA position 297, G replaced by T.
Protein change: p.Lys99Asn; replaces lysine 99 with asparagine.
Molecular consequence: missense variant. On other transcripts: non-coding transcript variant (1), intron variant (1).
Genome position (GRCh38, 1-based): chr8:93,755,851, G>T. VCF-style: chr8-93755851-G-T. GRCh37 (hg19) VCF-style: chr8-94768079-G-T.
Other names: c.-62+714G>T (NM_001142301.1); short protein forms K99N.
Identifiers: ClinVar variation 212409 (VCV000212409.10), dbSNP rs797046045, ClinGen allele CA205731.